The following is an entry in ClinVar:

ClinVar aggregate classification (germline): Uncertain significance (1 of 4 stars; one submission).

Conditions:
Deficiency of isobutyryl-CoA dehydrogenase. Also called: IBD DEFICIENCY; ACAD8 DEFICIENCY; ACYL-CoA DEHYDROGENASE FAMILY, MEMBER 8, DEFICIENCY OF. Identifiers: Orphanet 79159, MedGen C1969809, MONDO:0012648, OMIM 611283.

Allele frequency attached by ClinVar (database versions not stated): gnomAD 0.00001; gnomAD exomes 0.00001; ExAC 0.00002.
gnomAD v4.1: 10 of 1,613,862 alleles (0.00062%); highest among the groups gnomAD compares: South Asian, 0.0066%; no homozygotes.

Submission:

Labcorp Genetics (formerly Invitae), Labcorp
Classification: Uncertain significance for Deficiency of isobutyryl-CoA dehydrogenase. Last evaluated: 2020-01-04. Review status: criteria provided, single submitter. Criteria: Invitae Variant Classification Sherloc (09022015). Collection method: clinical testing. Allele origin: germline.
Comment: In summary, the available evidence is currently insufficient to determine the role of this variant in disease. Therefore, it has been classified as a Variant of Uncertain Significance. Algorithms developed to predict the effect of missense changes on protein structure and function are either unavailable or do not agree on the potential impact of this missense change (SIFT: "Deleterious"; PolyPhen-2: "Possibly Damaging"; Align-GVGD: "Class C0"). This variant has not been reported in the literature in individuals with ACAD8-related disease. This variant is present in population databases (rs773978651, ExAC 0.006%). This sequence change replaces serine with proline at codon 98 of the ACAD8 protein (p.Ser98Pro). The serine residue is highly conserved and there is a moderate physicochemical difference between serine and proline.

NM_014384.3(ACAD8):c.292T>C (p.Ser98Pro)

Gene: ACAD8 (acyl-CoA dehydrogenase family member 8; plus strand). Cytogenetic location: 11q25.
Variant type: single nucleotide variant.
Coding change: c.292T>C on transcript NM_014384.3 (MANE Select); coding-DNA position 292, T replaced by C.
Protein change: p.Ser98Pro; replaces serine 98 with proline.
Molecular consequence: missense variant.
Genome position (GRCh38, 1-based): chr11:134,257,169, T>C. VCF-style: chr11-134257169-T-C. GRCh37 (hg19) VCF-style: chr11-134127063-T-C.
Other names: short protein forms S98P.
Identifiers: ClinVar variation 658755 (VCV000658755.9), dbSNP rs773978651, ClinGen allele CA6372898.